The following is an entry in ClinVar:

ClinVar aggregate classification (germline): Likely benign. Review status: criteria provided, multiple submitters, no conflicts (2 of 4 stars). 10 submissions from 10 submitters: Likely benign (7). 3 of the submissions do not count toward it. Last evaluated 2026-09-01.

Conditions:
McCune-Albright syndrome (MAS). Also called: Albright's disease; ALBRIGHT SYNDROME; McCune-Albright syndrome, somatic, mosaic; Albright's Syndrome; Fibrous Dysplasia / McCune-Albright Syndrome. Identifiers: Orphanet 562, MedGen C0242292, MONDO:0018919, OMIM 174800.
Pseudohypoparathyroidism type 1B (PHP1B). Also called: PHP IB; Pseudohypoparathyroidism Type IB; Pseudohypoparathyroidism Ib (PHP-Ib). Identifiers: Orphanet 94089, MedGen C1864100, MONDO:0011301, OMIM 603233.
Pseudopseudohypoparathyroidism (PPHP). Also called: Pseudopseudohypoparathyroidism (PPHP); ALBRIGHT HEREDITARY OSTEODYSTROPHY WITHOUT MULTIPLE HORMONE RESISTANCE. Identifiers: Orphanet 79445, MedGen C0033835, MONDO:0012912, OMIM 612463.
Progressive osseous heteroplasia (POH). Also called: Osseus Heteroplasia, Progressive; Osteoma cutis; Progressive Osseus Heteroplasia (POH); ECTOPIC OSSIFICATION, FAMILIAL. Identifiers: Orphanet 2762, MedGen C0334041, MONDO:0008153, OMIM 166350, HP:0025027.
ACTH-independent macronodular adrenal hyperplasia 1 (AIMAH1). Also called: ACTH-INDEPENDENT MACRONODULAR ADRENOCORTICAL HYPERPLASIA; ADRENOCORTICOTROPIC HORMONE-INDEPENDENT MACRONODULAR ADRENAL HYPERPLASIA; ACTH-independent macronodular adrenal hyperplasia, somatic; CORTICOTROPIN-INDEPENDENT MACRONODULAR ADRENAL HYPERPLASIA; CUSHING SYNDROME, ADRENAL, DUE TO AIMAH. Identifiers: MedGen C1857451, MONDO:0020735, OMIM 219080.
Pseudohypoparathyroidism type I A (PHP1A). Also called: Pseudohypoparathyroidism Type IA; PHP IA; Pseudohypoparathyroidism type 1A; ALBRIGHT HEREDITARY OSTEODYSTROPHY WITH MULTIPLE HORMONE RESISTANCE; Pseudohypoparathyroidism Ia (PHP-Ia). Identifiers: Orphanet 79443, MedGen C3494506, MONDO:0007078, OMIM 103580.
Pseudohypoparathyroidism type 1C (PHP1C). Also called: PHP IC; Pseudohypoparathyroidism Ic (PHP-Ic); PSEUDOHYPOPARATHYROIDISM, TYPE IC. Identifiers: Orphanet 79444, MedGen C2932716, MONDO:0012911, OMIM 612462.
Pituitary adenoma 3, multiple types. Also called: PITUITARY ADENOMA 3, ACTH-SECRETING, SOMATIC; PITUITARY ADENOMA 3, GROWTH HORMONE-SECRETING, SOMATIC. Identifiers: MedGen C4540135, MONDO:0054665, OMIM 617686.
Early onset severe obesity. Identifiers: MedGen C4013980.

Allele frequency attached by ClinVar (database versions not stated): TOPMed 0.00161; 1000 Genomes Project 30x 0.00016; ESP Exome Variant Server 0.00143.
gnomAD v4.1: 4,199 of 1,601,382 alleles (0.26%); highest among the groups gnomAD compares: Non-Finnish European, 0.33%; 10 homozygotes.

Submissions (10):

CeGaT Center for Human Genetics Tuebingen
Classification: Likely benign. Last evaluated: 2026-09-01. Review status: criteria provided, single submitter. Criteria: CeGaT Center For Human Genetics Tuebingen Variant Classification Criteria Version 2. Collection method: clinical testing. Allele origin: germline. Affected: yes. Observed: 14 variant alleles.
Comment: GNAS: BP4, BS1

Blueprint Genetics
Classification: Likely benign. Last evaluated: 2024-11-26. Review status: criteria provided, single submitter. Criteria: ACMG Guidelines, 2015. Collection method: clinical testing. Allele origin: germline.

Cambridge Genomics Laboratory, East Genomic Laboratory Hub, NHS Genomic Medicine Service
Classification: Likely benign for Severe early-onset obesity. Last evaluated: 2024-07-26. Review status: criteria provided, single submitter. Criteria: ACGS Best Practice Guidelines for Variant Classification in Rare Disease 2020. Collection method: clinical testing. Allele origin: germline. Affected: yes.
Comment: The p.Ala210Pro variant is observed in 233/98.744 (0.236%) alleles from individuals of gnomAD Non Finnish European background in gnomAD All, which is greater than expected for the disorder. (BS1 - Strong) | The p.Ala210Pro variant is not predicted to introduce a novel splice site by any splice site algorithm. The proline residue at codon 210 of GNAS is present in Squirrel monkey and 8 other mammalian species. The nucleotide c.628 in GNAS is not conserved according to a GERP++ and PhyloP analysis of 100 vertebrates. (BP4 - Supporting)

Fulgent Genetics
Classification: Likely benign for Pseudohypoparathyroidism type I A; Progressive osseous heteroplasia; McCune-Albright syndrome; ACTH-independent macronodular adrenal hyperplasia 1; Pseudohypoparathyroidism type 1B; Pseudohypoparathyroidism type 1C; Pseudopseudohypoparathyroidism; Pituitary adenoma 3, multiple types. Last evaluated: 2021-12-28. Review status: criteria provided, single submitter. Criteria: ACMG Guidelines, 2015. Collection method: clinical testing. Allele origin: unknown.

Labcorp Genetics (formerly Invitae), Labcorp
Classification: Likely benign. Last evaluated: 2019-12-31. Review status: criteria provided, single submitter. Criteria: Invitae Variant Classification Sherloc (09022015). Collection method: clinical testing. Allele origin: germline.

GeneDx
Classification: Likely benign. Last evaluated: 2019-02-13. Review status: criteria provided, single submitter. Criteria: GeneDx Variant Classification Process June 2021. Collection method: clinical testing. Allele origin: germline. Affected: yes.

Breakthrough Genomics
Classification: Likely benign. Review status: criteria provided, single submitter. Criteria: ACMG Guidelines, 2015. Collection method: not provided. Allele origin: germline. Inheritance: Autosomal dominant inheritance. Affected: yes.

ITMI
No classification provided. Condition: AllHighlyPenetrant. Last evaluated: 2013-09-19. Review status: no classification provided. Collection method: reference population. Allele origin: germline. Not counted in ClinVar's aggregate classification.
Comment: Please see associated publication for description of ethnicities

Clinical Genetics DNA and cytogenetics Diagnostics Lab, Erasmus MC, Erasmus Medical Center
Classification: Likely benign. Review status: no assertion criteria provided. Collection method: clinical testing. Allele origin: germline. Affected: yes. Study: VKGL Data-share Consensus. Not counted in ClinVar's aggregate classification.

Clinical Genetics, Academic Medical Center
Classification: Likely benign. Review status: no assertion criteria provided. Collection method: clinical testing. Allele origin: germline. Affected: yes. Study: VKGL Data-share Consensus. Not counted in ClinVar's aggregate classification.

Literature cited by the submitters: PubMed 24728327 (cited by ITMI).

NM_080425.4(GNAS):c.628G>C (p.Ala210Pro)

Gene: GNAS (GNAS complex locus; plus strand). Cytogenetic location: 20q13.32.
Variant type: single nucleotide variant.
Coding change: c.628G>C on transcript NM_080425.4 (MANE Plus Clinical); coding-DNA position 628, G replaced by C.
Protein change: p.Ala210Pro; replaces alanine 210 with proline.
Molecular consequence: missense variant. On other transcripts: intron variant (3).
Genome position (GRCh38, 1-based): chr20:58,853,893, G>C. VCF-style: chr20-58853893-G-C. GRCh37 (hg19) VCF-style: chr20-57428948-G-C.
Other names: c.441G>C, p.Arg147Ser (NM_001077490.3, NM_001309883.1); c.628G>C, p.Ala210Pro (NM_001410913.1); c.*42+13007G>C (NM_016592.5); c.43+13007G>C (NM_001410912.1); c.-39+12018G>C (NM_001309861.2); short protein forms R147S, A210P.
Identifiers: ClinVar variation 134484 (VCV000134484.36), dbSNP rs61749696, ClinGen allele CA159944.
Genomic context (GRCh38, chr20:58,853,893, plus strand): 5'-GGTGCTGCAGGGGTCCCCGGAGCTCCTCCCGAGGAGCCCCAAGCCCTCAGGCCTGCAAAG[G>C]CTGGCTCCAGAGGAGGCTACAGCCCTCCCCCTGAGGAGACTATGCCATTTGAGCTTGATG-3'
Protein context (NP_536350.2, residues 200-220): EEPQALRPAK[Ala210Pro]GSRGGYSPPP